The following is an entry in ClinVar:

NC_000007.13:g.(?_116339139)_(116411718_?)dup

Gene: MET (MET proto-oncogene, receptor tyrosine kinase; plus strand). Cytogenetic location: 7q31.2.
Variant type: Duplication.
Identifiers: ClinVar variation 1024065 (VCV001024065.8).

ClinVar aggregate classification (germline): Uncertain significance (1 of 4 stars; one submission).

Conditions:
Renal cell carcinoma (RCCP1). Identifiers: Orphanet 217071, MedGen C0007134, MeSH D002292, MONDO:0005086, HP:0005584.

Submission:

Labcorp Genetics (formerly Invitae), Labcorp
Classification: Uncertain significance for Renal cell carcinoma. Last evaluated: 2020-01-08. Review status: criteria provided, single submitter. Criteria: Invitae Variant Classification Sherloc (09022015). Collection method: clinical testing. Allele origin: germline.
Comment: In summary, the available evidence is currently insufficient to determine the role of this variant in disease. Therefore, it has been classified as a Variant of Uncertain Significance. Experimental studies and prediction algorithms are not available or were not evaluated, and the functional significance of this variant is currently unknown. This variant has not been reported in the literature in individuals with MET-related conditions. This variant is a complex rearrangement involving exons 2-21 that may result in partial copy number gains and partial inverted sequence, however the exact nature of this event is unknown.